The following is an entry in ClinVar:

ClinVar aggregate classification (germline): Pathogenic/Likely pathogenic. Review status: criteria provided, multiple submitters, no conflicts (2 of 4 stars). 2 submissions from 2 submitters: Pathogenic (1); Likely pathogenic (1). Last evaluated 2023-09-08.

Conditions:
Fanconi anemia (FA). Also called: Fanconi's anemia. Identifiers: Orphanet 84, MedGen C0015625, MeSH D005199, MONDO:0019391.
Fanconi anemia complementation group D2. Also called: FANCD2-Related Fanconi Anemia; FANCONI PANCYTOPENIA, TYPE 4; FANCONI ANEMIA, COMPLEMENTATION GROUP D. Identifiers: Orphanet 84, MedGen C3160738, MONDO:0009214, OMIM 227646.

Allele frequency attached by ClinVar (database versions not stated): TOPMed below 0.00001; ExAC 0.00001; gnomAD 0.00001.

Submissions (2):

Labcorp Genetics (formerly Invitae), Labcorp
Classification: Pathogenic for Fanconi anemia. Last evaluated: 2023-09-08. Review status: criteria provided, single submitter. Criteria: Invitae Variant Classification Sherloc (09022015). Collection method: clinical testing. Allele origin: germline.
Comment: For these reasons, this variant has been classified as Pathogenic. This variant has not been reported in the literature in individuals affected with FANCD2-related conditions. This variant is present in population databases (rs755464133, gnomAD 0.003%). This sequence change creates a premature translational stop signal (p.Gln626*) in the FANCD2 gene. It is expected to result in an absent or disrupted protein product. Loss-of-function variants in FANCD2 are known to be pathogenic (PMID: 17436244).

Baylor Genetics
Classification: Likely pathogenic for Fanconi anemia complementation group D2. Last evaluated: 2023-03-17. Review status: criteria provided, single submitter. Criteria: ACMG Guidelines, 2015. Collection method: clinical testing. Allele origin: unknown.

Literature cited by the submitters: PubMed 17436244 (cited by Labcorp Genetics (formerly Invitae), Labcorp).

NM_001018115.3(FANCD2):c.1876C>T (p.Gln626Ter)

Genes: FANCD2 (FA complementation group D2; plus strand), LOC107303338 (3p25 FANCD2 Alu-mediated recombination region; plus strand). Cytogenetic location: 3p25.3.
Variant type: single nucleotide variant.
Coding change: c.1876C>T on transcript NM_001018115.3 (MANE Select); coding-DNA position 1876, C replaced by T.
Protein change: p.Gln626Ter; replaces glutamine 626 with a stop codon.
Molecular consequence: nonsense.
Genome position (GRCh38, 1-based): chr3:10,063,840, C>T. VCF-style: chr3-10063840-C-T. GRCh37 (hg19) VCF-style: chr3-10105524-C-T.
Other names: c.1876C>T, p.Gln626Ter (NM_001319984.2, NM_001374254.1, NM_033084.6); c.1765C>T, p.Gln589Ter (NM_001374253.1); short protein forms Q589*, Q626*.
Identifiers: ClinVar variation 2675506 (VCV002675506.4), dbSNP rs755464133, ClinGen allele CA2249858.